The following is an entry in ClinVar:

ClinVar aggregate classification (germline): Uncertain significance (1 of 4 stars; one submission).

Submission:

Labcorp Genetics (formerly Invitae), Labcorp
Classification: Uncertain significance. Last evaluated: 2024-07-09. Review status: criteria provided, single submitter. Criteria: Invitae Variant Classification Sherloc (09022015). Collection method: clinical testing. Allele origin: germline.
Comment: This sequence change replaces asparagine, which is neutral and polar, with histidine, which is basic and polar, at codon 146 of the ERBIN protein (p.Asn146His). This variant is not present in population databases (gnomAD no frequency). This variant has not been reported in the literature in individuals affected with ERBIN-related conditions. An algorithm developed to predict the effect of missense changes on protein structure and function (PolyPhen-2) suggests that this variant is likely to be disruptive. In summary, the available evidence is currently insufficient to determine the role of this variant in disease. Therefore, it has been classified as a Variant of Uncertain Significance.

NM_001253697.2(ERBIN):c.436A>C (p.Asn146His)

Gene: ERBIN (erbb2 interacting protein; plus strand). Cytogenetic location: 5q12.3.
Variant type: single nucleotide variant.
Coding change: c.436A>C on transcript NM_001253697.2 (MANE Select); coding-DNA position 436, A replaced by C.
Protein change: p.Asn146His; replaces asparagine 146 with histidine.
Molecular consequence: missense variant.
Genome position (GRCh38, 1-based): chr5:66,013,598, A>C. VCF-style: chr5-66013598-A-C. GRCh37 (hg19) VCF-style: chr5-65309426-A-C.
Other names: c.436A>C, p.Asn146His (NM_001006600.3, NM_001253698.2, NM_001253699.2 and 2 more transcripts); short protein forms N146H.
Identifiers: ClinVar variation 3658470 (VCV003658470.2).